The following is an entry in ClinVar:

NM_000285.4(PEPD):c.968-73A>G

Gene: PEPD (peptidase D; minus strand). Cytogenetic location: 19q13.11.
Variant type: single nucleotide variant.
Coding change: c.968-73A>G on transcript NM_000285.4 (MANE Select); 73 bases into the intron before coding-DNA position 968, A replaced by G.
Molecular consequence: intron variant.
Genome position (GRCh38, 1-based): chr19:33,391,552, T>C on the plus strand (A>G on the coding strand, the complement: PEPD is on the minus strand). VCF-style: chr19-33391552-T-C. GRCh37 (hg19) VCF-style: chr19-33882458-T-C.
Other names: c.776-73A>G (NM_001166057.2); c.845-73A>G (NM_001166056.2).
Identifiers: ClinVar variation 1230715 (VCV001230715.6), dbSNP rs16968070, ClinGen allele CA14739879.
Genomic context (GRCh38, chr19:33,391,552, plus strand): 5'-GGGAGCTGCCGTGAGCCACAGAGCCCAGCAGCCAACACCGCAGGGCCAGGGGCTGGGAGA[T>C]GTGAAGCCCTCACACTGGCTGTGGTGGGAGGGCCTGAGGTGGGGGGTGAGGGGGCAAGGG-3'

ClinVar aggregate classification (germline): Benign. Review status: criteria provided, multiple submitters, no conflicts (2 of 4 stars). 3 submissions from 3 submitters: Benign (3). Last evaluated 2023-11-12.

Allele frequency attached by ClinVar (database versions not stated): 1000 Genomes Project 0.21386; gnomAD 0.21588 and 0.22181; 1000 Genomes Project 30x 0.21721; TOPMed 0.22008.
gnomAD v4.1: 224,818 of 1,360,792 alleles (17%); highest among the groups gnomAD compares: African/African-American, 38%; 20,395 homozygotes.

Submissions (3):

Unidad de Genómica Garrahan, Hospital de Pediatría Garrahan
Classification: Benign. Last evaluated: 2023-11-12. Review status: criteria provided, single submitter. Criteria: ACMG Guidelines, 2015. Collection method: clinical testing. Allele origin: germline. Affected: no. Observed: 21 variant alleles.
Comment: This variant is classified as Benign based on local population frequency. This variant was detected in 22% of patients studied by a panel of primary immunodeficiencies. Number of patients: 21. Only high quality variants are reported.

GeneDx
Classification: Benign. Last evaluated: 2018-11-12. Review status: criteria provided, single submitter. Criteria: GeneDx Variant Classification Process June 2021. Collection method: clinical testing. Allele origin: germline. Affected: yes.

Breakthrough Genomics
Classification: Benign. Review status: criteria provided, single submitter. Criteria: ACMG Guidelines, 2015. Collection method: not provided. Allele origin: germline. Inheritance: Autosomal recessive inheritance. Affected: yes.